The following is an entry in ClinVar:

NM_002471.4(MYH6):c.1581+10_1581+19delinsGGCCTCACG

Gene: MYH6 (myosin heavy chain 6; minus strand). Cytogenetic location: 14q11.2.
Variant type: Indel.
Coding change: c.1581+10_1581+19delinsGGCCTCACG on transcript NM_002471.4 (MANE Select); bases 10 to 19 of the intron after coding-DNA position 1581, TGGCCTCACC replaced by GGCCTCACG.
Molecular consequence: intron variant.
Genome position (GRCh38, 1-based): chr14:23,400,237-23,400,246, GGTGAGGCCA replaced by CGTGAGGCC on the plus strand (TGGCCTCACC replaced by GGCCTCACG on the coding strand, the reverse complement: MYH6 is on the minus strand). VCF-style: chr14-23400237-GGTGAGGCCA-CGTGAGGCC. GRCh37 (hg19) VCF-style: chr14-23869446-GGTGAGGCCA-CGTGAGGCC.
Identifiers: ClinVar variation 2682637 (VCV002682637.1), dbSNP rs2502191242, ClinGen allele CA2697553810.

ClinVar aggregate classification (germline): Benign (1 of 4 stars; one submission).

Submission:

Women's Health and Genetics/Laboratory Corporation of America, LabCorp
Classification: Benign. Last evaluated: 2023-11-20. Review status: criteria provided, single submitter. Criteria: LabCorp Variant Classification Summary - May 2015. Collection method: clinical testing. Allele origin: germline.
Comment: Variant summary: MYH6 c.1581+10_1581+19delinsGGCCTCACG is part of a multinucleotide combination of c.1581+19C>G and c.1581+10del which alters a nucleotide located at a position not widely known to affect splicing. The observed variant frequency is approximately 8.91 fold of the estimated maximal expected allele frequency for a pathogenic variant in MYH6 causing Cardiomyopathy phenotype (2.5e-05), strongly suggesting that the variant is benign. To our knowledge, no occurrence of c.1581+10_1581+19delinsGGCCTCACG in individuals affected with Cardiomyopathy and no experimental evidence demonstrating its impact on protein function have been reported. No submitters have cited clinical-significance assessments for this variant to ClinVar after 2014. However, submitters have classified the components of this MNV as likely benign/benign (Variation IDs: 422646, 390526). Based on the evidence outlined above, the variant was classified as benign.